The following is an entry in ClinVar:

NM_001393769.1(MED12L):c.3828A>C (p.Glu1276Asp)

Genes: P2RY12 (purinergic receptor P2Y12; minus strand), MED12L (mediator complex subunit 12L; plus strand). Cytogenetic location: 3q25.1.
Variant type: single nucleotide variant.
Coding change: c.3828A>C on transcript NM_001393769.1 (MANE Select); coding-DNA position 3828, A replaced by C.
Protein change: p.Glu1276Asp; replaces glutamic acid 1276 with aspartic acid.
Molecular consequence: missense variant. On other transcripts: intron variant (1).
Genome position (GRCh38, 1-based): chr3:151,372,730, A>C. VCF-style: chr3-151372730-A-C. GRCh37 (hg19) VCF-style: chr3-151090518-A-C.
Other names: c.3723A>C, p.Glu1241Asp (NM_053002.6); c.-180+11962T>G (NM_022788.5); short protein forms E1241D, E1276D.
Identifiers: ClinVar variation 1331589 (VCV001331589.4), dbSNP rs1265891074, ClinGen allele CA354971850.

ClinVar aggregate classification (germline): Uncertain significance (1 of 4 stars; one submission).

Allele frequency attached by ClinVar (database versions not stated): TOPMed 0.00001.
gnomAD v4.1: 1 of 1,613,874 alleles (0.000062%); no homozygotes.

Submission:

Greenwood Genetic Center Diagnostic Laboratories, Greenwood Genetic Center
Classification: Uncertain significance. Last evaluated: 2021-02-22. Review status: criteria provided, single submitter. Criteria: ACMG Guidelines, 2015. Collection method: clinical testing. Allele origin: germline. Affected: yes.
Comment: BP4, PP2, PM2